The following is an entry in ClinVar:

ClinVar aggregate classification (germline): Pathogenic (1 of 4 stars; one submission).

Conditions:
Hereditary nonpolyposis colorectal neoplasms. Identifiers: MedGen C0009405, MeSH D003123.

Submission:

Labcorp Genetics (formerly Invitae), Labcorp
Classification: Pathogenic for Hereditary nonpolyposis colorectal neoplasms. Last evaluated: 2021-12-29. Review status: criteria provided, single submitter. Criteria: Invitae Variant Classification Sherloc (09022015). Collection method: clinical testing. Allele origin: germline.
Comment: This variant is not present in population databases (gnomAD no frequency). This sequence change creates a premature translational stop signal (p.Ser156Ilefs*16) in the MSH6 gene. It is expected to result in an absent or disrupted protein product. Loss-of-function variants in MSH6 are known to be pathogenic (PMID: 18269114, 24362816). This variant has not been reported in the literature in individuals affected with MSH6-related conditions. For these reasons, this variant has been classified as Pathogenic.

Literature cited by the submitters: PubMed 18269114; PubMed 24362816.

NM_000179.3(MSH6):c.465dup (p.Ser156fs)

Gene: MSH6 (mutS homolog 6; plus strand). Cytogenetic location: 2p16.3.
Variant type: Duplication.
Coding change: c.465dup on transcript NM_000179.3 (MANE Select); coding-DNA position 465, one base duplicated (A; older notation c.465dupA).
Protein change: p.Ser156fs; shifts the reading frame from serine 156.
Molecular consequence: frameshift variant. On other transcripts: 5 prime UTR variant (1), intron variant (2).
Genome position (GRCh38, 1-based): chr2:47,795,901, A duplicated; the last of 4 consecutive A bases (chr2:47,795,898-47,795,901); duplicating any one gives the same sequence. VCF-style (leftmost placement, unchanged base first): chr2-47795897-C-CA. GRCh37 (hg19) VCF-style: chr2-48023036-C-CA.
Other names: c.-438dup (NM_001281494.2); c.561dup, p.Ser188Ilefs (NM_001406795.1, NM_001406802.1); c.465dup, p.Ser156Ilefs (NM_001406796.1, NM_001406798.1, NM_001406800.1 and 5 more transcripts); c.168dup, p.Ser57Ilefs (NM_001406797.1, NM_001406801.1, NM_001406805.1 and 10 more transcripts); c.-61dup (NM_001406799.1, NM_001406806.1, NM_001406807.1); c.387dup, p.Ser130Ilefs (NM_001406804.1); c.471dup, p.Ser158Ilefs (NM_001406813.1); c.-530dup (NM_001406814.1); and 3 more; short protein forms S156fs.
Identifiers: ClinVar variation 2065392 (VCV002065392.4), dbSNP rs2530515133, ClinGen allele CA2580066951.